The following is an entry in ClinVar:

NM_172107.4(KCNQ2):c.1339C>G (p.Pro447Ala)

Gene: KCNQ2 (potassium voltage-gated channel subfamily Q member 2; minus strand). Cytogenetic location: 20q13.33.
Variant type: single nucleotide variant.
Coding change: c.1339C>G on transcript NM_172107.4 (MANE Select); coding-DNA position 1339, C replaced by G.
Protein change: p.Pro447Ala; replaces proline 447 with alanine.
Molecular consequence: missense variant.
Genome position (GRCh38, 1-based): chr20:63,415,089, G>C on the plus strand (C>G on the coding strand, the complement: KCNQ2 is on the minus strand). VCF-style: chr20-63415089-G-C. GRCh37 (hg19) VCF-style: chr20-62046442-G-C.
Other names: c.1285C>G, p.Pro429Ala (NM_001382235.1, NM_172106.3); c.1255C>G, p.Pro419Ala (NM_004518.6); c.1249C>G, p.Pro417Ala (NM_172108.5); short protein forms P417A, P419A, P429A, P447A.
Identifiers: ClinVar variation 3626311 (VCV003626311.2).

ClinVar aggregate classification (germline): Uncertain significance (1 of 4 stars; one submission).

Conditions:
Early-infantile DEE. Also called: Early infantile epileptic encephalopathy with suppression bursts; Early infantile epileptic encephalopathy; Ohtahara syndrome. Identifiers: Orphanet 1934, MedGen C0393706, MONDO:0800491.

gnomAD v4.1: 45 of 1,603,956 alleles (0.0028%); highest among the groups gnomAD compares: Non-Finnish European, 0.0037%; no homozygotes.

Submission:

Labcorp Genetics (formerly Invitae), Labcorp
Classification: Uncertain significance for Early-infantile DEE. Last evaluated: 2025-01-12. Review status: criteria provided, single submitter. Criteria: Invitae Variant Classification Sherloc (09022015). Collection method: clinical testing. Allele origin: germline.
Comment: This sequence change replaces proline, which is neutral and non-polar, with alanine, which is neutral and non-polar, at codon 447 of the KCNQ2 protein (p.Pro447Ala). This variant is present in population databases (rs773193623, gnomAD 0.002%). This variant has not been reported in the literature in individuals affected with KCNQ2-related conditions. Invitae Evidence Modeling of protein sequence and biophysical properties (such as structural, functional, and spatial information, amino acid conservation, physicochemical variation, residue mobility, and thermodynamic stability) indicates that this missense variant is expected to disrupt KCNQ2 protein function with a positive predictive value of 95%. In summary, the available evidence is currently insufficient to determine the role of this variant in disease. Therefore, it has been classified as a Variant of Uncertain Significance.